The following is an entry in ClinVar:

ClinVar aggregate classification (germline): Uncertain significance (1 of 4 stars; one submission).

gnomAD v4.1: 2 of 1,613,106 alleles (0.00012%); highest among the groups gnomAD compares: African/African-American, 0.0013%; no homozygotes.

Submission:

Labcorp Genetics (formerly Invitae), Labcorp
Classification: Uncertain significance. Last evaluated: 2024-09-06. Review status: criteria provided, single submitter. Criteria: Invitae Variant Classification Sherloc (09022015). Collection method: clinical testing. Allele origin: germline.
Comment: This sequence change replaces alanine, which is neutral and non-polar, with threonine, which is neutral and polar, at codon 1478 of the SMARCA2 protein (p.Ala1478Thr). This variant is not present in population databases (gnomAD no frequency). This variant has not been reported in the literature in individuals affected with SMARCA2-related conditions. Invitae Evidence Modeling of protein sequence and biophysical properties (such as structural, functional, and spatial information, amino acid conservation, physicochemical variation, residue mobility, and thermodynamic stability) indicates that this missense variant is not expected to disrupt SMARCA2 protein function with a negative predictive value of 80%. In summary, the available evidence is currently insufficient to determine the role of this variant in disease. Therefore, it has been classified as a Variant of Uncertain Significance.

NM_003070.5(SMARCA2):c.4432G>A (p.Ala1478Thr)

Gene: SMARCA2 (SWI/SNF related BAF chromatin remodeling complex subunit ATPase 2; plus strand). Cytogenetic location: 9p24.3.
Variant type: single nucleotide variant.
Coding change: c.4432G>A on transcript NM_003070.5 (MANE Select); coding-DNA position 4432, G replaced by A.
Protein change: p.Ala1478Thr; replaces alanine 1478 with threonine.
Molecular consequence: missense variant.
Genome position (GRCh38, 1-based): chr9:2,182,213, G>A. VCF-style: chr9-2182213-G-A. GRCh37 (hg19) VCF-style: chr9-2182213-G-A.
Other names: c.4432G>A, p.Ala1478Thr (NM_001289396.2); c.4204G>A, p.Ala1402Thr (NM_001289397.2); c.406G>A, p.Ala136Thr (NM_001289398.2); c.490G>A, p.Ala164Thr (NM_001289399.2); c.496G>A, p.Ala166Thr (NM_001289400.2); c.4378G>A, p.Ala1460Thr (NM_139045.4); short protein forms A136T, A1460T, A166T, A1402T, A164T, A1478T.
Identifiers: ClinVar variation 3700370 (VCV003700370.2).